The following is an entry in ClinVar:

NM_004370.6(COL12A1):c.6140A>G (p.His2047Arg)

Gene: COL12A1 (collagen type XII alpha 1 chain; minus strand). Cytogenetic location: 6q13.
Variant type: single nucleotide variant.
Coding change: c.6140A>G on transcript NM_004370.6 (MANE Select); coding-DNA position 6140, A replaced by G.
Protein change: p.His2047Arg; replaces histidine 2047 with arginine.
Molecular consequence: missense variant.
Genome position (GRCh38, 1-based): chr6:75,130,161, T>C on the plus strand (A>G on the coding strand, the complement: COL12A1 is on the minus strand). VCF-style: chr6-75130161-T-C. GRCh37 (hg19) VCF-style: chr6-75839877-T-C.
Other names: c.2648A>G, p.His883Arg (NM_080645.3); short protein forms H883R, H2047R.
Identifiers: ClinVar variation 1479736 (VCV001479736.6), dbSNP rs569212577, ClinGen allele CA3892888.

ClinVar aggregate classification (germline): Uncertain significance (1 of 4 stars; one submission).

Conditions:
Ullrich congenital muscular dystrophy 2 (UCMD2). Identifiers: Orphanet 75840, MedGen C4225314, MONDO:0014654, OMIM 616470.
Bethlem myopathy 2 (BTHLM2). Identifiers: Orphanet 536516, Orphanet 610, MedGen C4225313, MONDO:0034022, OMIM 616471.

Allele frequency attached by ClinVar (database versions not stated): gnomAD 0.00001; 1000 Genomes Project 30x 0.00016; 1000 Genomes Project 0.00020.
gnomAD v4.1: 7 of 1,614,136 alleles (0.00043%); highest among the groups gnomAD compares: South Asian, 0.0055%; no homozygotes.

Submission:

Labcorp Genetics (formerly Invitae), Labcorp
Classification: Uncertain significance for Bethlem myopathy 2; Ullrich congenital muscular dystrophy 2. Last evaluated: 2024-12-09. Review status: criteria provided, single submitter. Criteria: Invitae Variant Classification Sherloc (09022015). Collection method: clinical testing. Allele origin: germline.
Comment: This sequence change replaces histidine, which is basic and polar, with arginine, which is basic and polar, at codon 2047 of the COL12A1 protein (p.His2047Arg). This variant is present in population databases (rs569212577, gnomAD 0.006%). This variant has not been reported in the literature in individuals affected with COL12A1-related conditions. ClinVar contains an entry for this variant (Variation ID: 1479736). Invitae Evidence Modeling of protein sequence and biophysical properties (such as structural, functional, and spatial information, amino acid conservation, physicochemical variation, residue mobility, and thermodynamic stability) has been performed for this missense variant. However, the output from this modeling did not meet the statistical confidence thresholds required to predict the impact of this variant on COL12A1 protein function. In summary, the available evidence is currently insufficient to determine the role of this variant in disease. Therefore, it has been classified as a Variant of Uncertain Significance.